The following is an entry in ClinVar:

ClinVar aggregate classification (germline): Uncertain significance (1 of 4 stars; one submission).

Conditions:
Werner syndrome (WRN). Identifiers: Orphanet 902, MedGen C0043119, MONDO:0010196, OMIM 277700.

Submission:

Labcorp Genetics (formerly Invitae), Labcorp
Classification: Uncertain significance for Werner syndrome. Last evaluated: 2021-01-26. Review status: criteria provided, single submitter. Criteria: Invitae Variant Classification Sherloc (09022015). Collection method: clinical testing. Allele origin: germline.
Comment: In summary, the available evidence is currently insufficient to determine the role of this variant in disease. Therefore, it has been classified as a Variant of Uncertain Significance. Algorithms developed to predict the effect of missense changes on protein structure and function are either unavailable or do not agree on the potential impact of this missense change (SIFT: "Tolerated"; PolyPhen-2: "Probably Damaging"; Align-GVGD: "Class C0"). This variant has not been reported in the literature in individuals with WRN-related conditions. This variant is not present in population databases (ExAC no frequency). This sequence change replaces alanine with proline at codon 98 of the WRN protein (p.Ala98Pro). The alanine residue is moderately conserved and there is a small physicochemical difference between alanine and proline.

NM_000553.6(WRN):c.292G>C (p.Ala98Pro)

Gene: WRN (WRN RecQ like helicase; plus strand). Cytogenetic location: 8p12.
Variant type: single nucleotide variant.
Coding change: c.292G>C on transcript NM_000553.6 (MANE Select); coding-DNA position 292, G replaced by C.
Protein change: p.Ala98Pro; replaces alanine 98 with proline.
Molecular consequence: missense variant.
Genome position (GRCh38, 1-based): chr8:31,064,371, G>C. VCF-style: chr8-31064371-G-C. GRCh37 (hg19) VCF-style: chr8-30921887-G-C.
Other names: short protein forms A98P.
Identifiers: ClinVar variation 962925 (VCV000962925.5), dbSNP rs1812612414, ClinGen allele CA370914239.